The following is an entry in ClinVar:

ClinVar aggregate classification (germline): Uncertain significance (1 of 4 stars; one submission).

Submission:

Labcorp Genetics (formerly Invitae), Labcorp
Classification: Uncertain significance. Last evaluated: 2022-05-15. Review status: criteria provided, single submitter. Criteria: Invitae Variant Classification Sherloc (09022015). Collection method: clinical testing. Allele origin: germline.
Comment: This variant, c.5550_5552del, results in the deletion of 1 amino acid(s) of the MYO7A protein (p.Leu1851del), but otherwise preserves the integrity of the reading frame. This variant is not present in population databases (gnomAD no frequency). This variant has not been reported in the literature in individuals affected with MYO7A-related conditions. Algorithms developed to predict the effect of sequence changes on RNA splicing suggest that this variant may disrupt the consensus splice site. In summary, the available evidence is currently insufficient to determine the role of this variant in disease. Therefore, it has been classified as a Variant of Uncertain Significance.

NM_000260.4(MYO7A):c.5547CCT[1] (p.Leu1851del)

Gene: MYO7A (myosin VIIA; plus strand). Cytogenetic location: 11q13.5.
Variant type: Microsatellite.
Coding change: c.5547CCT[1] on transcript NM_000260.4 (MANE Select); one copy of the 3-base unit CCT starting at c.5547; the reference has two copies in a row; one copy, 3 bases deleted.
Protein change: p.Leu1851del; deletes leucine 1851.
Molecular consequence: inframe deletion.
Genome position (GRCh38, 1-based): chr11:77,205,531-77,205,533, CCT deleted; deleting any 3 consecutive bases within chr11:77,205,527-77,205,533 gives the same sequence; the position shown is the placement nearest the transcript's 3' end. VCF-style (leftmost placement, unchanged base first): chr11-77205526-ATCC-A. GRCh37 (hg19) VCF-style: chr11-76916571-ATCC-A.
Other names: c.5433CCT[1], p.Leu1813del (NM_001127180.2); c.5400CCT[1], p.Leu1802del (NM_001369365.1); short protein forms L1813del, L1802del, L1851del.
Identifiers: ClinVar variation 1994619 (VCV001994619.4), dbSNP rs2497705606, ClinGen allele CA2580616394.